The following is an entry in ClinVar:

ClinVar aggregate classification (germline): Benign/Likely benign. Review status: criteria provided, multiple submitters, no conflicts (2 of 4 stars). 3 submissions from 3 submitters: Benign (1); Likely benign (2). Last evaluated 2026-07-08.

Conditions:
Rhabdoid tumor predisposition syndrome 2 (RTPS2). Identifiers: Orphanet 231108, Orphanet 69077, MedGen C2750074, MONDO:0013224, OMIM 613325.
Hereditary cancer-predisposing syndrome. Also called: Hereditary Cancer Syndrome; Hereditary neoplastic syndrome; Neoplastic Syndromes, Hereditary; Tumor predisposition. Identifiers: Orphanet 140162, MedGen C0027672, MeSH D009386, MONDO:0015356.

Submissions (3):

Myriad Genetics, Inc.
Classification: Benign for Rhabdoid tumor predisposition syndrome 2. Last evaluated: 2026-07-08. Review status: criteria provided, single submitter. Criteria: Myriad Autosomal Dominant, Autosomal Recessive and X-Linked Classification Criteria (2023). Collection method: clinical testing. Allele origin: unknown.
Comment: This variant is considered benign. This variant is a silent/synonymous amino acid change and it is not expected to impact splicing.

Labcorp Genetics (formerly Invitae), Labcorp
Classification: Likely benign for Rhabdoid tumor predisposition syndrome 2. Last evaluated: 2024-05-05. Review status: criteria provided, single submitter. Criteria: Invitae Variant Classification Sherloc (09022015). Collection method: clinical testing. Allele origin: germline.

Ambry Genetics
Classification: Likely benign for Hereditary cancer-predisposing syndrome. Last evaluated: 2015-08-27. Review status: criteria provided, single submitter. Criteria: Ambry Variant Classification Scheme 2023. Collection method: clinical testing. Allele origin: germline.

NM_003072.5(SMARCA4):c.22C>T (p.Leu8=)

Gene: SMARCA4 (SWI/SNF related BAF chromatin remodeling complex subunit ATPase 4; plus strand). Cytogenetic location: 19p13.2.
Variant type: single nucleotide variant.
Coding change: c.22C>T on transcript NM_003072.5 (MANE Select); coding-DNA position 22, C replaced by T.
Protein change: p.Leu8=; no amino-acid change (leucine 8 retained).
Molecular consequence: synonymous variant. On other transcripts: non-coding transcript variant (1).
Genome position (GRCh38, 1-based): chr19:10,984,173, C>T. VCF-style: chr19-10984173-C-T. GRCh37 (hg19) VCF-style: chr19-11094849-C-T.
Other names: c.22C>T, p.Leu8= (NM_001128844.3, NM_001128845.2, NM_001128846.2 and 5 more transcripts).
Identifiers: ClinVar variation 470300 (VCV000470300.15), dbSNP rs1555750596, ClinGen allele CA505487041.